The following is an entry in ClinVar:

ClinVar aggregate classification (germline): Likely pathogenic (1 of 4 stars; one submission).

Conditions:
Congenital heart defects, dysmorphic facial features, and intellectual developmental disorder (CHDFIDD). Identifiers: Orphanet 646278, MedGen C4479246, MONDO:0044302, OMIM 617360.

Submission:

Department of Human Genetics, Hannover Medical School
Classification: Likely pathogenic for Congenital heart defects, dysmorphic facial features, and intellectual developmental disorder. Last evaluated: 2025-04-07. Review status: criteria provided, single submitter. Criteria: ACMG Guidelines, 2015. Collection method: clinical testing. Allele origin: germline. Affected: yes.
Comment: PM2_Supporting, PM1, PP3_Moderate, PM5_Supporting

NM_003718.5(CDK13):c.2202A>C (p.Lys734Asn)

Gene: CDK13 (cyclin dependent kinase 13; plus strand). Cytogenetic location: 7p14.1.
Variant type: single nucleotide variant.
Coding change: c.2202A>C on transcript NM_003718.5 (MANE Select); coding-DNA position 2202, A replaced by C.
Protein change: p.Lys734Asn; replaces lysine 734 with asparagine.
Molecular consequence: missense variant.
Genome position (GRCh38, 1-based): chr7:40,001,880, A>C. VCF-style: chr7-40001880-A-C. GRCh37 (hg19) VCF-style: chr7-40041479-A-C.
Other names: c.2202A>C, p.Lys734Asn (NM_031267.4); short protein forms K734N.
Identifiers: ClinVar variation 3775094 (VCV003775094.1).